The following is an entry in ClinVar:

NM_001005373.4(LRSAM1):c.735G>C (p.Glu245Asp)

Gene: LRSAM1 (leucine rich repeat and sterile alpha motif containing 1; plus strand). Cytogenetic location: 9q33.3.
Variant type: single nucleotide variant.
Coding change: c.735G>C on transcript NM_001005373.4 (MANE Select); coding-DNA position 735, G replaced by C.
Protein change: p.Glu245Asp; replaces glutamic acid 245 with aspartic acid.
Molecular consequence: missense variant. On other transcripts: 5 prime UTR variant (1), non-coding transcript variant (2).
Genome position (GRCh38, 1-based): chr9:127,473,916, G>C. VCF-style: chr9-127473916-G-C. GRCh37 (hg19) VCF-style: chr9-130236195-G-C.
Other names: c.735G>C, p.Glu245Asp (NM_001005374.4, NM_001190723.3, NM_001384142.1 and 2 more transcripts); c.-50G>C (NM_001384144.1); short protein forms E245D.
Identifiers: ClinVar variation 1051941 (VCV001051941.9), dbSNP rs2132048170, ClinGen allele CA374929948.
Genomic context (GRCh38, chr9:127,473,916, plus strand): 5'-AGATGGAATCGAGAACTCTCGGGACAGCCCTGATGGGCCCACGGACAGATTCTCAAGGGA[G>C]GAGTTAGAGTGGCAGGTAAGACAAGGCAGCCTGCTGCACGCATACATGTGTGTGTGTGCG-3'
Protein context (NP_001005373.1, residues 235-255): PDGPTDRFSR[Glu245Asp]ELEWQNRFSD

ClinVar aggregate classification (germline): Uncertain significance (1 of 4 stars; one submission).

Conditions:
Charcot-Marie-Tooth disease axonal type 2P. Also called: Charcot-Marie-Tooth Neuropathy Type 2G; CHARCOT-MARIE-TOOTH NEUROPATHY, TYPE 2P; CHARCOT-MARIE-TOOTH DISEASE, AXONAL, TYPE 2G; CMT 2G. Identifiers: Orphanet 300319, Orphanet 99941, MedGen C3280797, MONDO:0013753, OMIM 614436.

Submission:

Labcorp Genetics (formerly Invitae), Labcorp
Classification: Uncertain significance for Charcot-Marie-Tooth disease axonal type 2P. Last evaluated: 2020-02-28. Review status: criteria provided, single submitter. Criteria: Invitae Variant Classification Sherloc (09022015). Collection method: clinical testing. Allele origin: germline.
Comment: This sequence change replaces glutamic acid with aspartic acid at codon 245 of the LRSAM1 protein (p.Glu245Asp). The glutamic acid residue is moderately conserved and there is a small physicochemical difference between glutamic acid and aspartic acid. This variant is not present in population databases (ExAC no frequency). This variant has not been reported in the literature in individuals with LRSAM1-related conditions. In summary, the available evidence is currently insufficient to determine the role of this variant in disease. Therefore, it has been classified as a Variant of Uncertain Significance. Algorithms developed to predict the effect of missense changes on protein structure and function (SIFT, PolyPhen-2, Align-GVGD) all suggest that this variant is likely to be tolerated, but these predictions have not been confirmed by published functional studies and their clinical significance is uncertain.